The following is an entry in ClinVar:

NM_000368.5(TSC1):c.957G>C (p.Leu319Phe)

Gene: TSC1 (TSC complex subunit 1; minus strand). Cytogenetic location: 9q34.13.
Variant type: single nucleotide variant.
Coding change: c.957G>C on transcript NM_000368.5 (MANE Select); coding-DNA position 957, G replaced by C.
Protein change: p.Leu319Phe; replaces leucine 319 with phenylalanine.
Molecular consequence: missense variant. On other transcripts: 5 prime UTR variant (2), non-coding transcript variant (5).
Genome position (GRCh38, 1-based): chr9:132,911,525, C>G on the plus strand (G>C on the coding strand, the complement: TSC1 is on the minus strand). VCF-style: chr9-132911525-C-G. GRCh37 (hg19) VCF-style: chr9-135786912-C-G.
Other names: c.804G>C, p.Leu268Phe (NM_001406611.1, NM_001406612.1, NM_001406613.1 and 2 more transcripts); c.594G>C, p.Leu198Phe (NM_001406614.1, NM_001406615.1, NM_001406616.1 and 10 more transcripts); c.6G>C, p.Leu2Phe (NM_001406626.1, NM_001406627.1, NM_001406628.1); c.-137G>C (NM_001406629.1, NM_001406630.1); c.957G>C, p.Leu319Phe (NM_001162426.2, NM_001406592.1, NM_001406593.1 and 16 more transcripts); short protein forms L198F, L319F, L268F, L2F.
Identifiers: ClinVar variation 2693978 (VCV002693978.3), dbSNP rs1845961446, ClinGen allele CA375368681.

ClinVar aggregate classification (germline): Uncertain significance (1 of 4 stars; one submission).

Conditions:
Tuberous sclerosis 1 (TSC1). Identifiers: Orphanet 805, MedGen C1854465, MONDO:0008612, OMIM 191100.

Submission:

Labcorp Genetics (formerly Invitae), Labcorp
Classification: Uncertain significance for Tuberous sclerosis 1. Last evaluated: 2025-07-31. Review status: criteria provided, single submitter. Criteria: Invitae Variant Classification Sherloc (09022015). Collection method: clinical testing. Allele origin: germline.
Comment: This sequence change replaces leucine, which is neutral and non-polar, with phenylalanine, which is neutral and non-polar, at codon 319 of the TSC1 protein (p.Leu319Phe). This variant is not present in population databases (gnomAD no frequency). This variant has not been reported in the literature in individuals affected with TSC1-related conditions. ClinVar contains an entry for this variant (Variation ID: 2693978). Invitae Evidence Modeling of protein sequence and biophysical properties (such as structural, functional, and spatial information, amino acid conservation, physicochemical variation, residue mobility, and thermodynamic stability) indicates that this missense variant is not expected to disrupt TSC1 protein function with a negative predictive value of 95%. In summary, the available evidence is currently insufficient to determine the role of this variant in disease. Therefore, it has been classified as a Variant of Uncertain Significance.